The following is an entry in ClinVar:

ClinVar aggregate classification (germline): Pathogenic (1 of 4 stars; one submission).

Conditions:
Renal cysts and diabetes syndrome (RCAD). Also called: Familial hypoplastic, glomerulocystic kidney; MATURITY-ONSET DIABETES OF THE YOUNG, TYPE 5. Identifiers: Orphanet 93111, MedGen C0431693, MONDO:0007669, OMIM 137920.

Submission:

Institute of Human Genetics, FAU Erlangen, Friedrich-Alexander-Universität Erlangen-Nürnberg
Classification: Pathogenic for Renal cysts and diabetes syndrome. Last evaluated: 2019-07-06. Review status: criteria provided, single submitter. Criteria: ACMG Guidelines, 2015. Collection method: literature only. Allele origin: germline. Affected: yes.
Comment: This variant and it's classification has been reported by Vasileiou et al. 2019; DOI:10.1101/576918. The variants has previously been reported in PMID:25700310; PMID:20378641; PMID:25536396 as "c.3G>T" with clinical significance Pathogenic. It has been re-classified using InterVar and manual curation as Pathogenic based on PVS1 PM2 PP3.

Literature cited by the submitters: PubMed 25700310; PubMed 20378641; PubMed 25536396; DOI 10.1101/576918.

NM_000458.4(HNF1B):c.3G>T (p.Met1Ile)

Gene: HNF1B (HNF1 homeobox B; minus strand). Cytogenetic location: 17q12.
Variant type: single nucleotide variant.
Coding change: c.3G>T on transcript NM_000458.4 (MANE Select); coding-DNA position 3, G replaced by T.
Protein change: p.Met1Ile; changes the start codon (methionine 1).
Molecular consequence: missense variant, initiator codon variant.
Genome position (GRCh38, 1-based): chr17:37,744,882, C>A on the plus strand (G>T on the coding strand, the complement: HNF1B is on the minus strand). VCF-style: chr17-37744882-C-A. GRCh37 (hg19) VCF-style: chr17-36104873-C-A.
Other names: c.3G>T, p.Met1Ile (NM_001165923.4, NM_001304286.2); short protein forms M1I.
Identifiers: ClinVar variation 635735 (VCV000635735.2), dbSNP rs2511853757, ClinGen allele CA398755454.